The following is an entry in ClinVar:

ClinVar aggregate classification (germline): Uncertain significance (1 of 4 stars; one submission).

Conditions:
Developmental and epileptic encephalopathy, 28 (DEE28). Also called: Epileptic encephalopathy, early infantile, 28. Identifiers: Orphanet 442835, MedGen C4015519, MONDO:0014533, OMIM 616211.

Submission:

Kids Research, The Children's Hospital at Westmead
Classification: Uncertain significance for Developmental and epileptic encephalopathy, 28. Last evaluated: 2024-09-20. Review status: criteria provided, single submitter. Criteria: ACMG Guidelines, 2015. Collection method: research. Allele origin: germline. Affected: yes.
Comment: PM2, PM3

NM_016373.4(WWOX):c.839T>C (p.Leu280Pro)

Gene: WWOX (WW domain containing oxidoreductase; plus strand). Cytogenetic location: 16q23.1.
Variant type: single nucleotide variant.
Coding change: c.839T>C on transcript NM_016373.4 (MANE Select); coding-DNA position 839, T replaced by C.
Protein change: p.Leu280Pro; replaces leucine 280 with proline.
Molecular consequence: missense variant.
Genome position (GRCh38, 1-based): chr16:78,432,535, T>C. VCF-style: chr16-78432535-T-C. GRCh37 (hg19) VCF-style: chr16-78466432-T-C.
Other names: c.500T>C, p.Leu167Pro (NM_001291997.2); short protein forms L167P, L280P.
Identifiers: ClinVar variation 3366920 (VCV003366920.1).